The following is an entry in ClinVar:

ClinVar aggregate classification (germline): Uncertain significance (1 of 4 stars; one submission).

Allele frequency attached by ClinVar (database versions not stated): gnomAD 0.00001; TOPMed 0.00001.
gnomAD v4.1: 3 of 1,614,018 alleles (0.00019%); highest among the groups gnomAD compares: African/African-American, 0.0027%; no homozygotes.

Submission:

Ambry Genetics
Classification: Uncertain significance. Last evaluated: 2024-03-31. Review status: criteria provided, single submitter. Criteria: Ambry Variant Classification Scheme 2023. Collection method: clinical testing. Allele origin: germline.
Comment: The p.P78L variant (also known as c.233C>T), located in coding exon 2 of the IDH1 gene, results from a C to T substitution at nucleotide position 233. The proline at codon 78 is replaced by leucine, an amino acid with similar properties. This amino acid position is conserved. In addition, this alteration is predicted to be deleterious by in silico analysis. Since supporting evidence is limited at this time, the clinical significance of this alteration remains unclear.

NM_005896.4(IDH1):c.233C>T (p.Pro78Leu)

Gene: IDH1 (isocitrate dehydrogenase (NADP(+)) 1; minus strand). Cytogenetic location: 2q34.
Variant type: single nucleotide variant.
Coding change: c.233C>T on transcript NM_005896.4 (MANE Select); coding-DNA position 233, C replaced by T.
Protein change: p.Pro78Leu; replaces proline 78 with leucine.
Molecular consequence: missense variant.
Genome position (GRCh38, 1-based): chr2:208,248,550, G>A on the plus strand (C>T on the coding strand, the complement: IDH1 is on the minus strand). VCF-style: chr2-208248550-G-A. GRCh37 (hg19) VCF-style: chr2-209113274-G-A.
Other names: c.233C>T, p.Pro78Leu (NM_001282386.1, NM_001282387.1); short protein forms P78L.
Identifiers: ClinVar variation 1789839 (VCV001789839.3), dbSNP rs1005225555, ClinGen allele CA64588291.